The following is an entry in ClinVar:

ClinVar aggregate classification (germline): Uncertain significance. Review status: criteria provided, multiple submitters, no conflicts (2 of 4 stars). 2 submissions from 2 submitters: Uncertain significance (2). Last evaluated 2025-02-13.

Conditions:
Inborn genetic diseases. Identifiers: MedGen C0950123, MeSH D030342.
Mucopolysaccharidosis, MPS-IV-A (MPS4A). Also called: MPS IVA; Morquio syndrome A, mild; GALACTOSAMINE-6-SULFATASE DEFICIENCY; GALNS DEFICIENCY; MORQUIO A DISEASE; Mucopolysaccharidosis type IV A. Identifiers: Orphanet 309297, Orphanet 582, MedGen C0086651, MONDO:0009659, OMIM 253000.

Allele frequency attached by ClinVar (database versions not stated): gnomAD exomes below 0.00001; TOPMed below 0.00001; gnomAD 0.00001.
gnomAD v4.1: 3 of 1,536,904 alleles (0.0002%); highest among the groups gnomAD compares: African/African-American, 0.0028%; no homozygotes.

Submissions (2):

Ambry Genetics
Classification: Uncertain significance for Inborn genetic diseases. Last evaluated: 2025-02-13. Review status: criteria provided, single submitter. Criteria: Ambry Variant Classification Scheme 2023. Collection method: clinical testing. Allele origin: germline.

Labcorp Genetics (formerly Invitae), Labcorp
Classification: Uncertain significance for Mucopolysaccharidosis, MPS-IV-A. Last evaluated: 2019-12-27. Review status: criteria provided, single submitter. Criteria: Invitae Variant Classification Sherloc (09022015). Collection method: clinical testing. Allele origin: germline.
Comment: In summary, the available evidence is currently insufficient to determine the role of this variant in disease. Therefore, it has been classified as a Variant of Uncertain Significance. Algorithms developed to predict the effect of missense changes on protein structure and function (SIFT, PolyPhen-2, Align-GVGD) all suggest that this variant is likely to be tolerated, but these predictions have not been confirmed by published functional studies and their clinical significance is uncertain. This variant has not been reported in the literature in individuals with GALNS-related conditions. The frequency data for this variant in the population databases is considered unreliable, as metrics indicate insufficient coverage at this position in the ExAC database. This sequence change replaces methionine with isoleucine at codon 22 of the GALNS protein (p.Met22Ile). The methionine residue is weakly conserved and there is a small physicochemical difference between methionine and isoleucine.

NM_000512.5(GALNS):c.66G>T (p.Met22Ile)

Genes: GALNS (galactosamine (N-acetyl)-6-sulfatase; minus strand), TRAPPC2L (trafficking protein particle complex subunit 2L; plus strand), LOC130059762 (ATAC-STARR-seq lymphoblastoid silent region 7883; plus strand). Cytogenetic location: 16q24.3.
Variant type: single nucleotide variant.
Coding change: c.66G>T on transcript NM_000512.5 (MANE Select); coding-DNA position 66, G replaced by T.
Protein change: p.Met22Ile; replaces methionine 22 with isoleucine.
Molecular consequence: missense variant. On other transcripts: 5 prime UTR variant (2).
Genome position (GRCh38, 1-based): chr16:88,856,812, C>A on the plus strand (G>T on the coding strand, the complement: GALNS is on the minus strand). VCF-style: chr16-88856812-C-A. GRCh37 (hg19) VCF-style: chr16-88923220-C-A.
Other names: c.-366G>T (NM_001323543.2); c.-87G>T (NM_001323544.2); short protein forms M22I.
Identifiers: ClinVar variation 843497 (VCV000843497.11), dbSNP rs1427287935, ClinGen allele CA397101398.